The following is an entry in ClinVar:

ClinVar aggregate classification (germline): Likely benign. Review status: criteria provided, multiple submitters, no conflicts (2 of 4 stars). 4 submissions from 4 submitters: Likely benign (4). Last evaluated 2026-01-20.

Allele frequency attached by ClinVar (database versions not stated): ESP Exome Variant Server 0.00008; gnomAD 0.00017 and 0.00018; TOPMed 0.00032; gnomAD exomes 0.00062; ExAC 0.00063.

Submissions (4):

Women's Health and Genetics/Laboratory Corporation of America, LabCorp
Classification: Likely benign. Last evaluated: 2026-01-20. Review status: criteria provided, single submitter. Criteria: LabCorp Variant Classification Summary - May 2015. Collection method: clinical testing. Allele origin: germline.
Comment: Variant summary: UCP2 c.446G>A (p.Arg149Gln) results in a conservative amino acid change in the encoded protein sequence. Algorithms developed to predict the effect of missense changes on protein structure and function are either unavailable or do not agree on the potential impact of this missense change. The variant allele was found at a frequency of 0.00062 in 251420 control chromosomes, predominantly at a frequency of 0.0041 within the Latino subpopulation in the gnomAD database. The observed variant frequency within Latino control individuals in the gnomAD database exceeds the estimated maximal expected allele frequency for disease-causing variants in UCP2. To our knowledge, no occurrence of c.446G>A in individuals affected with UCP2-related conditions and no experimental evidence demonstrating its impact on protein function have been reported. ClinVar contains an entry for this variant (Variation ID: 212541). Based on the evidence outlined above, the variant was classified as likely benign.

Labcorp Genetics (formerly Invitae), Labcorp
Classification: Likely benign. Last evaluated: 2025-11-23. Review status: criteria provided, single submitter. Criteria: Invitae Variant Classification Sherloc (09022015). Collection method: clinical testing. Allele origin: germline.

Genetic Services Laboratory, University of Chicago
Classification: Likely benign. Last evaluated: 2018-04-26. Review status: criteria provided, single submitter. Criteria: ACMG Guidelines, 2015. Collection method: clinical testing. Allele origin: germline. Affected: no.

PreventionGenetics, part of Exact Sciences
Classification: Likely benign. Review status: criteria provided, single submitter. Criteria: ACMG Guidelines, 2015. Collection method: clinical testing. Allele origin: germline.

NM_003355.3(UCP2):c.446G>A (p.Arg149Gln)

Gene: UCP2 (uncoupling protein 2; minus strand). Cytogenetic location: 11q13.4.
Variant type: single nucleotide variant.
Coding change: c.446G>A on transcript NM_003355.3 (MANE Select); coding-DNA position 446, G replaced by A.
Protein change: p.Arg149Gln; replaces arginine 149 with glutamine.
Molecular consequence: missense variant. On other transcripts: intron variant (1).
Genome position (GRCh38, 1-based): chr11:73,976,909, C>T on the plus strand (G>A on the coding strand, the complement: UCP2 is on the minus strand). VCF-style: chr11-73976909-C-T. GRCh37 (hg19) VCF-style: chr11-73687954-C-T.
Other names: c.446G>A, p.Arg149Gln (NM_001381943.1, NM_001381944.1, NM_001381945.1 and 3 more transcripts); c.338-167G>A (NM_001381950.1); short protein forms R149Q.
Identifiers: ClinVar variation 212541 (VCV000212541.16), dbSNP rs371789455, ClinGen allele CA205082.